The following is an entry in ClinVar:

ClinVar aggregate classification (germline): Uncertain significance. Review status: criteria provided, multiple submitters, no conflicts (2 of 4 stars). 3 submissions from 3 submitters: Uncertain significance (2). 1 of the submissions does not count toward it. Last evaluated 2026-08-31.

Conditions:
Hearing loss, autosomal dominant 82. Also called: Deafness, autosomal dominant 82. Identifiers: MedGen C5676948, MONDO:0030719, OMIM 619804.
ATP2B2-related disorder. Also called: ATP2B2-related condition.

gnomAD v4.1: 114 of 1,614,216 alleles (0.0071%); highest among the groups gnomAD compares: South Asian, 0.018%; no homozygotes.

Submissions (3):

PreventionGenetics, part of Exact Sciences
Classification: Uncertain significance for ATP2B2-related condition. Last evaluated: 2026-08-31. Review status: criteria provided, single submitter. Criteria: ACMG Guidelines, 2015. Collection method: clinical testing. Allele origin: germline.
Comment: The ATP2B2 c.176G>A variant is predicted to result in the amino acid substitution p.Arg59His. To our knowledge, this variant has not been reported in the literature. This variant is reported in 0.012% of alleles in individuals of African descent in gnomAD. Although we suspect that this variant may be benign, at this time, the clinical significance of this variant is uncertain due to the absence of conclusive functional and genetic evidence.

Labcorp Genetics (formerly Invitae), Labcorp
Classification: Uncertain significance. Last evaluated: 2025-01-24. Review status: criteria provided, single submitter. Criteria: Invitae Variant Classification Sherloc (09022015). Collection method: clinical testing. Allele origin: germline.
Comment: This sequence change replaces arginine, which is basic and polar, with histidine, which is basic and polar, at codon 59 of the ATP2B2 protein (p.Arg59His). This variant is present in population databases (rs149328739, gnomAD 0.01%). This variant has not been reported in the literature in individuals affected with ATP2B2-related conditions. Invitae Evidence Modeling of protein sequence and biophysical properties (such as structural, functional, and spatial information, amino acid conservation, physicochemical variation, residue mobility, and thermodynamic stability) indicates that this missense variant is not expected to disrupt ATP2B2 protein function with a negative predictive value of 80%. In summary, the available evidence is currently insufficient to determine the role of this variant in disease. Therefore, it has been classified as a Variant of Uncertain Significance.

Diagnostics Centre, Carl Von Ossietzky University Oldenburg
Classification: Uncertain significance for Hearing loss, autosomal dominant 82. Last evaluated: 2026-01-13. Review status: no assertion criteria provided. Collection method: clinical testing. Allele origin: germline. Affected: yes. Observed: 1 variant allele. Not counted in ClinVar's aggregate classification.
Comment: The variant NM_001683.5:(ATP2B2):c.176G>A p.(Arg59His) located in the exon 3 of the ATP2B2 gene results from a guanine-to-adenine substitution at nucleotide position c.176. The arginine at protein position 59 is replaced by a hystidine. The variant is classified as rare in the general population (MAF 7.0* e-5 in gnomAD). In summary, this variant is classified as variant of uncertain significance.

NM_001001331.4(ATP2B2):c.176G>A (p.Arg59His)

Gene: ATP2B2 (ATPase plasma membrane Ca2+ transporting 2; minus strand). Cytogenetic location: 3p25.3.
Variant type: single nucleotide variant.
Coding change: c.176G>A on transcript NM_001001331.4 (MANE Select); coding-DNA position 176, G replaced by A.
Protein change: p.Arg59His; replaces arginine 59 with histidine.
Molecular consequence: missense variant.
Genome position (GRCh38, 1-based): chr3:10,449,368, C>T on the plus strand (G>A on the coding strand, the complement: ATP2B2 is on the minus strand). VCF-style: chr3-10449368-C-T. GRCh37 (hg19) VCF-style: chr3-10491052-C-T.
Other names: c.176G>A, p.Arg59His (NM_001330611.3, NM_001353564.1, NM_001363862.1 and 1 more transcripts); c.176G>A (NM_001683.3); short protein forms R59H.
Identifiers: ClinVar variation 3710389 (VCV003710389.4), dbSNP rs149328739.